The following is an entry in ClinVar:

NM_181507.2(HPS5):c.1178T>C (p.Leu393Ser)

Gene: HPS5 (HPS5 biogenesis of lysosomal organelles complex 2 subunit 2; minus strand). Cytogenetic location: 11p15.1.
Variant type: single nucleotide variant.
Coding change: c.1178T>C on transcript NM_181507.2 (MANE Select); coding-DNA position 1178, T replaced by C.
Protein change: p.Leu393Ser; replaces leucine 393 with serine.
Molecular consequence: missense variant.
Genome position (GRCh38, 1-based): chr11:18,297,704, A>G on the plus strand (T>C on the coding strand, the complement: HPS5 is on the minus strand). VCF-style: chr11-18297704-A-G. GRCh37 (hg19) VCF-style: chr11-18319251-A-G.
Other names: c.1178T>C, p.Leu393Ser (NM_001440905.1, NM_001440906.1, NM_001440916.1 and 5 more transcripts); c.1103T>C, p.Leu368Ser (NM_001440907.1, NM_001440908.1, NM_001440909.1); c.1067T>C, p.Leu356Ser (NM_001440913.1, NM_001440914.1, NM_001440915.1); c.764T>C, p.Leu255Ser (NM_001440927.1, NM_001440928.1, NM_001440929.1); c.836T>C, p.Leu279Ser (NM_001440930.1, NM_007216.4, NM_181508.2 and 7 more transcripts); c.992T>C, p.Leu331Ser (NM_001440918.1); c.965T>C, p.Leu322Ser (NM_001440919.1); short protein forms L255S, L331S, L356S, L368S, L393S, L279S, L322S.
Identifiers: ClinVar variation 4272082 (VCV004272082.2).

ClinVar aggregate classification (germline): Uncertain significance. Review status: criteria provided, multiple submitters, no conflicts (2 of 4 stars). 2 submissions from 2 submitters: Uncertain significance (2). Last evaluated 2025-08-31.

Conditions:
Inborn genetic diseases. Identifiers: MedGen C0950123, MeSH D030342.

gnomAD v4.1: 3 of 1,614,090 alleles (0.00019%); highest among the groups gnomAD compares: African/African-American, 0.0013%; no homozygotes.

Submissions (2):

Ambry Genetics
Classification: Uncertain significance for Inborn genetic diseases. Last evaluated: 2025-08-31. Review status: criteria provided, single submitter. Criteria: Ambry Variant Classification Scheme 2023. Collection method: clinical testing. Allele origin: germline.

Labcorp Genetics (formerly Invitae), Labcorp
Classification: Uncertain significance. Last evaluated: 2025-07-30. Review status: criteria provided, single submitter. Criteria: Invitae Variant Classification Sherloc (09022015). Collection method: clinical testing. Allele origin: germline.
Comment: This sequence change replaces leucine, which is neutral and non-polar, with serine, which is neutral and polar, at codon 393 of the HPS5 protein (p.Leu393Ser). This variant is not present in population databases (gnomAD no frequency). This variant has not been reported in the literature in individuals affected with HPS5-related conditions. An algorithm developed to predict the effect of missense changes on protein structure and function (PolyPhen-2) suggests that this variant is likely to be disruptive. In summary, the available evidence is currently insufficient to determine the role of this variant in disease. Therefore, it has been classified as a Variant of Uncertain Significance.